The following is an entry in ClinVar:

NM_022356.4(P3H1):c.1071C>T (p.Gly357=)

Gene: P3H1 (prolyl 3-hydroxylase 1; minus strand). Cytogenetic location: 1p34.2.
Variant type: single nucleotide variant.
Coding change: c.1071C>T on transcript NM_022356.4 (MANE Select); coding-DNA position 1071, C replaced by T.
Protein change: p.Gly357=; no amino-acid change (glycine 357 retained).
Molecular consequence: synonymous variant.
Genome position (GRCh38, 1-based): chr1:42,757,792, G>A on the plus strand (C>T on the coding strand, the complement: P3H1 is on the minus strand). VCF-style: chr1-42757792-G-A. GRCh37 (hg19) VCF-style: chr1-43223463-G-A.
Other names: c.1071C>T, p.Gly357= (NM_001146289.2, NM_001243246.2).
Identifiers: ClinVar variation 288132 (VCV000288132.23), dbSNP rs202234531, ClinGen allele CA801992.
Genomic context (GRCh38, chr1:42,757,792, plus strand): 5'-CTCAGGTCTGAGTTCAGCTGGCAGCTGTCATAACAGAAGGAAGTCTCTCACCTCACGGGG[G>A]CCGATGGATCTGGTGTGTTCTTCTCCAAGCATAGCTGCATAATAGGCCAAATTTTGGTTC-3'
Protein context (NP_071751.3, residues 347-367): MLGEEHTRSI[Gly357=]PRESAKEYRQ

ClinVar aggregate classification (germline): Benign/Likely benign. Review status: criteria provided, multiple submitters, no conflicts (2 of 4 stars). 8 submissions from 8 submitters: Benign (2); Likely benign (6). Last evaluated 2026-08-01.

Conditions:
Osteogenesis imperfecta (OI). Identifiers: Orphanet 666, MedGen C0029434, MeSH D010013, MONDO:0019019.
Osteogenesis imperfecta type 8 (OI8). Identifiers: MedGen C1970458, MONDO:0012581, OMIM 610915.
P3H1-related disorder. Also called: P3H1-related condition.

Allele frequency attached by ClinVar (database versions not stated): ESP Exome Variant Server 0.00008; gnomAD 0.00014 and 0.00029; TOPMed 0.00014; gnomAD exomes 0.00046 and 0.00088; ExAC 0.00097; 1000 Genomes Project 30x 0.00156; 1000 Genomes Project 0.00160.
gnomAD v4.1: 720 of 1,614,238 alleles (0.045%); highest among the groups gnomAD compares: South Asian, 0.61%; 9 homozygotes.

Submissions (8):

CeGaT Center for Human Genetics Tuebingen
Classification: Likely benign. Last evaluated: 2026-08-01. Review status: criteria provided, single submitter. Criteria: CeGaT Center For Human Genetics Tuebingen Variant Classification Criteria Version 2. Collection method: clinical testing. Allele origin: germline. Affected: yes. Observed: 1 variant allele.
Comment: P3H1: BP4, BP7

PreventionGenetics, part of Exact Sciences
Classification: Likely benign for P3H1-related condition. Last evaluated: 2026-03-02. Review status: criteria provided, single submitter. Criteria: ACMG Guidelines, 2015. Collection method: clinical testing. Allele origin: germline.
Comment: This variant is classified as likely benign based on ACMG/AMP sequence variant interpretation guidelines (Richards et al. 2015 PMID: 25741868, with internal and published modifications).

Labcorp Genetics (formerly Invitae), Labcorp
Classification: Benign for Osteogenesis imperfecta type 8. Last evaluated: 2026-01-28. Review status: criteria provided, single submitter. Criteria: Invitae Variant Classification Sherloc (09022015). Collection method: clinical testing. Allele origin: germline.

Blueprint Genetics
Classification: Likely benign. Last evaluated: 2024-10-08. Review status: criteria provided, single submitter. Criteria: ACMG Guidelines, 2015. Collection method: clinical testing. Allele origin: germline.

Genome-Nilou Lab
Classification: Benign for Osteogenesis imperfecta type 8. Last evaluated: 2023-04-11. Review status: criteria provided, single submitter. Criteria: ACMG Guidelines, 2015. Collection method: clinical testing. Allele origin: germline. Affected: no.

Genome Diagnostics Laboratory, The Hospital for Sick Children
Classification: Likely benign for Osteogenesis imperfecta. Last evaluated: 2021-05-13. Review status: criteria provided, single submitter. Criteria: ACMG Guidelines, 2015. Collection method: clinical testing. Allele origin: germline.

GeneDx
Classification: Likely benign. Last evaluated: 2018-07-31. Review status: criteria provided, single submitter. Criteria: GeneDx Variant Classification Process June 2021. Collection method: clinical testing. Allele origin: germline. Affected: yes.

Eurofins Ntd Llc (ga)
Classification: Likely benign. Last evaluated: 2016-06-30. Review status: criteria provided, single submitter. Criteria: EGL Classification Definitions 2015. Collection method: clinical testing. Allele origin: germline. Observed: 1 variant allele, 1 heterozygote.